The following is an entry in ClinVar:

ClinVar aggregate classification (germline): Uncertain significance (1 of 4 stars; one submission).

Submission:

Labcorp Genetics (formerly Invitae), Labcorp
Classification: Uncertain significance. Last evaluated: 2022-02-24. Review status: criteria provided, single submitter. Criteria: Invitae Variant Classification Sherloc (09022015). Collection method: clinical testing. Allele origin: germline.
Comment: This sequence change replaces cysteine, which is neutral and slightly polar, with arginine, which is basic and polar, at codon 2108 of the EYS protein (p.Cys2108Arg). This variant is not present in population databases (gnomAD no frequency). This missense change has been observed in individual(s) with clinical features of inherited retinal dystrophy (Invitae). Algorithms developed to predict the effect of missense changes on protein structure and function (SIFT, PolyPhen-2, Align-GVGD) all suggest that this variant is likely to be disruptive. This variant disrupts the p.Cys2108 amino acid residue in EYS. Other variant(s) that disrupt this residue have been observed in individuals with EYS-related conditions (PMID: 28041643; Invitae), which suggests that this may be a clinically significant amino acid residue. In summary, the available evidence is currently insufficient to determine the role of this variant in disease. Therefore, it has been classified as a Variant of Uncertain Significance.

Literature cited by the submitters: PubMed 28041643.

NM_001142800.2(EYS):c.6322T>C (p.Cys2108Arg)

Gene: EYS (eyes shut homolog; minus strand). Cytogenetic location: 6q12.
Variant type: single nucleotide variant.
Coding change: c.6322T>C on transcript NM_001142800.2 (MANE Select); coding-DNA position 6322, T replaced by C.
Protein change: p.Cys2108Arg; replaces cysteine 2108 with arginine.
Molecular consequence: missense variant.
Genome position (GRCh38, 1-based): chr6:64,230,694, A>G on the plus strand (T>C on the coding strand, the complement: EYS is on the minus strand). VCF-style: chr6-64230694-A-G. GRCh37 (hg19) VCF-style: chr6-64940587-A-G.
Other names: c.6322T>C, p.Cys2108Arg (NM_001292009.2); short protein forms C2108R.
Identifiers: ClinVar variation 1512740 (VCV001512740.3), dbSNP rs1766400182, ClinGen allele CA364391360.
Genomic context (GRCh38, chr6:64,230,694, plus strand): 5'-ATTGGAATGACACTATGCCACTGGAGAGGAAGATGGCATGGCATGTGCCTCCATTGTGGC[A>G]TACATCCTGCTGGCACACAGAGGGTGCTGCAACAGAGGGGCTGACAGAAGTCCACATGGT-3'
Protein context (NP_001136272.1, residues 2098-2118): AAPSVCQQDV[Cys2108Arg]HNGGTCHAIF